The following is an entry in ClinVar:

ClinVar aggregate classification (germline): Uncertain significance (1 of 4 stars; one submission).

Conditions:
Trichorhinophalangeal dysplasia type I (TRPS1). Also called: TRPS I; TRICHORHINOPHALANGEAL SYNDROME, TYPE I. Identifiers: Orphanet 77258, MedGen C0432233, MONDO:0008596, OMIM 190350.
Trichorhinophalangeal syndrome, type III (TRPS3). Also called: SUGIO-KAJII SYNDROME. Identifiers: Orphanet 77258, MedGen C1860823, OMIM 190351, MONDO:0008597.

Allele frequency attached by ClinVar (database versions not stated): gnomAD exomes below 0.00001.

Submission:

Labcorp Genetics (formerly Invitae), Labcorp
Classification: Uncertain significance for Trichorhinophalangeal syndrome, type III; Trichorhinophalangeal dysplasia type I. Last evaluated: 2021-12-16. Review status: criteria provided, single submitter. Criteria: Invitae Variant Classification Sherloc (09022015). Collection method: clinical testing. Allele origin: germline.
Comment: Algorithms developed to predict the effect of missense changes on protein structure and function are either unavailable or do not agree on the potential impact of this missense change (SIFT: "Deleterious"; PolyPhen-2: "Possibly Damaging"; Align-GVGD: "Class C0"). In summary, the available evidence is currently insufficient to determine the role of this variant in disease. Therefore, it has been classified as a Variant of Uncertain Significance. This variant has not been reported in the literature in individuals affected with TRPS1-related conditions. This variant is present in population databases (no rsID available, gnomAD 0.0009%). This sequence change replaces tyrosine, which is neutral and polar, with histidine, which is basic and polar, at codon 447 of the TRPS1 protein (p.Tyr447His).

NM_014112.5(TRPS1):c.1339T>C (p.Tyr447His)

Gene: TRPS1 (transcriptional repressor GATA binding 1; minus strand). Cytogenetic location: 8q23.3.
Variant type: single nucleotide variant.
Coding change: c.1339T>C on transcript NM_014112.5 (MANE Select); coding-DNA position 1339, T replaced by C.
Protein change: p.Tyr447His; replaces tyrosine 447 with histidine.
Molecular consequence: missense variant.
Genome position (GRCh38, 1-based): chr8:115,604,630, A>G on the plus strand (T>C on the coding strand, the complement: TRPS1 is on the minus strand). VCF-style: chr8-115604630-A-G. GRCh37 (hg19) VCF-style: chr8-116616857-A-G.
Other names: c.1312T>C, p.Tyr438His (NM_001282902.3); c.1318T>C, p.Tyr440His (NM_001282903.3); c.1300T>C, p.Tyr434His (NM_001330599.2); short protein forms Y438H, Y440H, Y447H, Y434H.
Identifiers: ClinVar variation 2183568 (VCV002183568.4), dbSNP rs1427490429, ClinGen allele CA372067630.